The following is an entry in ClinVar:

NM_017934.7(PHIP):c.2397A>T (p.Arg799Ser)

Gene: PHIP (pleckstrin homology domain interacting protein; minus strand). Cytogenetic location: 6q14.1.
Variant type: single nucleotide variant.
Coding change: c.2397A>T on transcript NM_017934.7 (MANE Select); coding-DNA position 2397, A replaced by T.
Protein change: p.Arg799Ser; replaces arginine 799 with serine.
Molecular consequence: missense variant.
Genome position (GRCh38, 1-based): chr6:78,988,272, T>A on the plus strand (A>T on the coding strand, the complement: PHIP is on the minus strand). VCF-style: chr6-78988272-T-A. GRCh37 (hg19) VCF-style: chr6-79697989-T-A.
Other names: short protein forms R799S.
Identifiers: ClinVar variation 1307750 (VCV001307750.2), dbSNP rs2127721787, ClinGen allele CA364650729.

ClinVar aggregate classification (germline): Uncertain significance (1 of 4 stars; one submission).

Submission:

GeneDx
Classification: Uncertain significance. Last evaluated: 2019-08-15. Review status: criteria provided, single submitter. Criteria: GeneDx Variant Classification Process June 2021. Collection method: clinical testing. Allele origin: germline. Affected: yes.
Comment: Not observed in large population cohorts (Lek et al., 2016); In silico analysis, which includes protein predictors and evolutionary conservation, supports a deleterious effect; Has not been previously published as pathogenic or benign to our knowledge